The following is an entry in ClinVar:

ClinVar aggregate classification (germline): Likely benign (1 of 4 stars; one submission).

Submission:

Women's Health and Genetics/Laboratory Corporation of America, LabCorp
Classification: Likely benign. Last evaluated: 2026-03-09. Review status: criteria provided, single submitter. Criteria: LabCorp Variant Classification Summary - May 2015. Collection method: clinical testing. Allele origin: germline.
Comment: Variant summary: GFAP c.522+16G>C alters a nucleotide located at a position not widely known to affect splicing. Consensus agreement among computation tools predict no significant impact on normal splicing. However, these predictions have yet to be confirmed by functional studies. The variant was absent in 170726 control chromosomes. The available data on variant occurrences in the general population are insufficient to allow any conclusion about variant significance. To our knowledge, no occurrence of c.522+16G>C in individuals affected with GFAP-related conditions and no experimental evidence demonstrating its impact on protein function have been reported. No submitters have cited clinical-significance assessments for this variant to ClinVar. Based on the evidence outlined above, the variant was classified as likely benign.

NM_002055.5(GFAP):c.522+16G>C

Gene: GFAP (glial fibrillary acidic protein; minus strand). Cytogenetic location: 17q21.31.
Variant type: single nucleotide variant.
Coding change: c.522+16G>C on transcript NM_002055.5 (MANE Select); 16 bases into the intron after coding-DNA position 522, G replaced by C.
Molecular consequence: intron variant.
Genome position (GRCh38, 1-based): chr17:44,914,012, C>G on the plus strand (G>C on the coding strand, the complement: GFAP is on the minus strand). VCF-style: chr17-44914012-C-G. GRCh37 (hg19) VCF-style: chr17-42991380-C-G.
Other names: c.522+16G>C (NM_001363846.2, NM_001131019.3, NM_001242376.3).
Identifiers: ClinVar variation 4847372 (VCV004847372.1).